The following is an entry in ClinVar:

NM_005751.5(AKAP9):c.11425A>G (p.Lys3809Glu)

Gene: AKAP9 (A-kinase anchoring protein 9; plus strand). Cytogenetic location: 7q21.2.
Variant type: single nucleotide variant.
Coding change: c.11425A>G on transcript NM_005751.5 (MANE Select); coding-DNA position 11425, A replaced by G.
Protein change: p.Lys3809Glu; replaces lysine 3809 with glutamic acid.
Molecular consequence: missense variant.
Genome position (GRCh38, 1-based): chr7:92,107,301, A>G. VCF-style: chr7-92107301-A-G. GRCh37 (hg19) VCF-style: chr7-91736615-A-G.
Other names: c.6070A>G, p.Lys2024Glu (NM_001379277.1); c.11401A>G, p.Lys3801Glu (NM_147185.3); short protein forms K2024E, K3809E, K3801E.
Identifiers: ClinVar variation 1518260 (VCV001518260.8), dbSNP rs758073953, ClinGen allele CA161903970.
Genomic context (GRCh38, chr7:92,107,301, plus strand): 5'-AAGGTCTTGGGATTTTATTTTTCTTTACAAGGAATATTTTGGGTTACTTTAGGTGCAGAA[A>G]AGACTGACTCATTTTATCATTCTTCTGGTGGGCTGGAGTTATATGGAGAACCAAGACATA-3'
Protein context (NP_005742.4, residues 3799-3819): DGFGLNQGAE[Lys3809Glu]TDSFYHSSGG

ClinVar aggregate classification (germline): Uncertain significance (1 of 4 stars; one submission).

Conditions:
Long QT syndrome (LQTS). Identifiers: MedGen C0023976, MeSH D008133, MONDO:0002442. Disease mechanism: loss of function. Inheritance: Various modes of inheritance.

Allele frequency attached by ClinVar (database versions not stated): gnomAD exomes below 0.00001.
gnomAD v4.1: 3 of 1,613,936 alleles (0.00019%); highest among the groups gnomAD compares: Non-Finnish European, 0.00025%; no homozygotes.

Submission:

Labcorp Genetics (formerly Invitae), Labcorp
Classification: Uncertain significance for Long QT syndrome. Last evaluated: 2021-01-21. Review status: criteria provided, single submitter. Criteria: Invitae Variant Classification Sherloc (09022015). Collection method: clinical testing. Allele origin: germline.
Comment: Algorithms developed to predict the effect of missense changes on protein structure and function (SIFT, PolyPhen-2, Align-GVGD) all suggest that this variant is likely to be tolerated, but these predictions have not been confirmed by published functional studies and their clinical significance is uncertain. This variant has not been reported in the literature in individuals with AKAP9-related conditions. This variant is not present in population databases (ExAC no frequency). This sequence change replaces lysine with glutamic acid at codon 3809 of the AKAP9 protein (p.Lys3809Glu). The lysine residue is moderately conserved and there is a small physicochemical difference between lysine and glutamic acid. In summary, the available evidence is currently insufficient to determine the role of this variant in disease. Therefore, it has been classified as a Variant of Uncertain Significance.